The following is an entry in ClinVar:

NM_001005361.3(DNM2):c.439G>A (p.Asp147Asn)

Gene: DNM2 (dynamin 2; plus strand). Cytogenetic location: 19p13.2.
Variant type: single nucleotide variant.
Coding change: c.439G>A on transcript NM_001005361.3 (MANE Select); coding-DNA position 439, G replaced by A.
Protein change: p.Asp147Asn; replaces aspartic acid 147 with asparagine.
Molecular consequence: missense variant.
Genome position (GRCh38, 1-based): chr19:10,775,756, G>A. VCF-style: chr19-10775756-G-A. GRCh37 (hg19) VCF-style: chr19-10886432-G-A.
Other names: p.Asp147Asn; c.439G>A, p.Asp147Asn (NM_001005360.3, NM_001005362.3, NM_001190716.2 and 1 more transcripts); short protein forms D147N.
Identifiers: ClinVar variation 641231 (VCV000641231.11), dbSNP rs370086632, ClinGen allele CA9200798.

ClinVar aggregate classification (germline): Uncertain significance. Review status: criteria provided, multiple submitters, no conflicts (2 of 4 stars). 2 submissions from 2 submitters: Uncertain significance (2). Last evaluated 2024-02-17.

Conditions:
Charcot-Marie-Tooth disease dominant intermediate B (CMTDIB). Also called: CHARCOT-MARIE-TOOTH NEUROPATHY, DOMINANT INTERMEDIATE B; Charcot-Marie-Tooth disease dominant intermediate 1; CMT DI1; Charcot-Marie-Tooth disease dominant intermediate I. Identifiers: Orphanet 100044, Orphanet 228179, MedGen C1847902, MONDO:0011674, OMIM 606482.

Allele frequency attached by ClinVar (database versions not stated): gnomAD exomes below 0.00001; ExAC 0.00001; gnomAD 0.00001; TOPMed 0.00002; ESP Exome Variant Server 0.00008.
gnomAD v4.1: 9 of 1,613,906 alleles (0.00056%); highest among the groups gnomAD compares: South Asian, 0.0033%; no homozygotes.

Submissions (2):

Labcorp Genetics (formerly Invitae), Labcorp
Classification: Uncertain significance for Charcot-Marie-Tooth disease dominant intermediate B. Last evaluated: 2024-02-17. Review status: criteria provided, single submitter. Criteria: Invitae Variant Classification Sherloc (09022015). Collection method: clinical testing. Allele origin: germline.
Comment: This sequence change replaces aspartic acid, which is acidic and polar, with asparagine, which is neutral and polar, at codon 147 of the DNM2 protein (p.Asp147Asn). This variant is present in population databases (rs370086632, gnomAD 0.007%). This variant has not been reported in the literature in individuals affected with DNM2-related conditions. ClinVar contains an entry for this variant (Variation ID: 641231). Advanced modeling of protein sequence and biophysical properties (such as structural, functional, and spatial information, amino acid conservation, physicochemical variation, residue mobility, and thermodynamic stability) has been performed at Invitae for this missense variant, however the output from this modeling did not meet the statistical confidence thresholds required to predict the impact of this variant on DNM2 protein function. In summary, the available evidence is currently insufficient to determine the role of this variant in disease. Therefore, it has been classified as a Variant of Uncertain Significance.

Mayo Clinic Laboratories, Mayo Clinic
Classification: Uncertain significance. Last evaluated: 2023-10-17. Review status: criteria provided, single submitter. Criteria: ACMG Guidelines, 2015. Collection method: clinical testing. Allele origin: germline. Observed: 1 variant allele.
Comment: PP3